The following is an entry in ClinVar:

ClinVar aggregate classification (germline): Uncertain significance (1 of 4 stars; one submission).

Conditions:
Epileptic encephalopathy. Identifiers: MedGen C0543888, HP:0200134.

Submission:

Labcorp Genetics (formerly Invitae), Labcorp
Classification: Uncertain significance for Epileptic encephalopathy. Last evaluated: 2024-08-05. Review status: criteria provided, single submitter. Criteria: Invitae Variant Classification Sherloc (09022015). Collection method: clinical testing. Allele origin: germline.
Comment: This sequence change replaces phenylalanine, which is neutral and non-polar, with leucine, which is neutral and non-polar, at codon 2109 of the FASN protein (p.Phe2109Leu). This variant is not present in population databases (gnomAD no frequency). This variant has not been reported in the literature in individuals affected with FASN-related conditions. An algorithm developed to predict the effect of missense changes on protein structure and function (PolyPhen-2) suggests that this variant is likely to be tolerated. In summary, the available evidence is currently insufficient to determine the role of this variant in disease. Therefore, it has been classified as a Variant of Uncertain Significance.

NM_004104.5(FASN):c.6325T>C (p.Phe2109Leu)

Gene: FASN (fatty acid synthase; minus strand). Cytogenetic location: 17q25.3.
Variant type: single nucleotide variant.
Coding change: c.6325T>C on transcript NM_004104.5 (MANE Select); coding-DNA position 6325, T replaced by C.
Protein change: p.Phe2109Leu; replaces phenylalanine 2109 with leucine.
Molecular consequence: missense variant.
Genome position (GRCh38, 1-based): chr17:82,081,682, A>G on the plus strand (T>C on the coding strand, the complement: FASN is on the minus strand). VCF-style: chr17-82081682-A-G. GRCh37 (hg19) VCF-style: chr17-80039558-A-G.
Other names: short protein forms F2109L.
Identifiers: ClinVar variation 2766606 (VCV002766606.3), dbSNP rs2509829348, ClinGen allele CA401600841.
Genomic context (GRCh38, chr17:82,081,682, plus strand): 5'-CCACCAGGTCCCGCTGGCTGTCCCTGTCCCTATAGGCCGCAGCCTTCTCAGCCAGCACAA[A>G]GCTGCTCAGGACCATGTGGGGCTGGTTCAGGAAGAGGTCCAGCACCTCCAGGCAGGACGC-3'
Protein context (NP_004095.4, residues 2099-2119): LNQPHMVLSS[Phe2109Leu]VLAEKAAAYR